The following is an entry in ClinVar:

NM_001012759.3(CTU2):c.616C>G (p.Pro206Ala)

Gene: CTU2 (cytosolic thiouridylase subunit 2; plus strand). Cytogenetic location: 16q24.3.
Variant type: single nucleotide variant.
Coding change: c.616C>G on transcript NM_001012759.3 (MANE Select); coding-DNA position 616, C replaced by G.
Protein change: p.Pro206Ala; replaces proline 206 with alanine.
Molecular consequence: missense variant.
Genome position (GRCh38, 1-based): chr16:88,712,784, C>G. VCF-style: chr16-88712784-C-G. GRCh37 (hg19) VCF-style: chr16-88779192-C-G.
Other names: c.616C>G, p.Pro206Ala (NM_001012762.3); c.829C>G, p.Pro277Ala (NM_001318507.2); c.355C>G, p.Pro119Ala (NM_001318513.2); c.616C>G (NM_001012759.2); short protein forms P119A, P206A, P277A.
Identifiers: ClinVar variation 1563718 (VCV001563718.11), dbSNP rs140091320, ClinGen allele CA8230412.
Genomic context (GRCh38, chr16:88,712,784, plus strand): 5'-CATGTGCTGGGGGCCGGGGGTGGTCCTGGCCCGACTCAAGGGGAGGAACAGCCACCCCAG[C>G]CCCCGCTGGACCCCCAGAACCTGGCAAGACCGCCTGCCCCTGCCCAGACTGAGGCTCTTT-3'
Protein context (NP_001012777.1, residues 196-216): PTQGEEQPPQ[Pro206Ala]PLDPQNLARP

ClinVar aggregate classification (germline): Benign. Review status: criteria provided, multiple submitters, no conflicts (2 of 4 stars). 3 submissions from 3 submitters: Benign (2). 1 of the submissions does not count toward it. Last evaluated 2025-07-11.

Conditions:
CTU2-related disorder. Also called: CTU2-related condition.

Allele frequency attached by ClinVar (database versions not stated): 1000 Genomes Project 0.00140; ESP Exome Variant Server 0.00162; 1000 Genomes Project 30x 0.00187; gnomAD 0.00213 and 0.00230; TOPMed 0.00248.

Submissions (3):

Labcorp Genetics (formerly Invitae), Labcorp
Classification: Benign. Last evaluated: 2025-07-11. Review status: criteria provided, single submitter. Criteria: Invitae Variant Classification Sherloc (09022015). Collection method: clinical testing. Allele origin: germline.

Breakthrough Genomics
Classification: Benign. Review status: criteria provided, single submitter. Criteria: ACMG Guidelines, 2015. Collection method: not provided. Allele origin: germline. Inheritance: Autosomal recessive inheritance. Affected: yes.

PreventionGenetics, part of Exact Sciences
Classification: Benign for CTU2-related condition. Last evaluated: 2019-12-06. Review status: no assertion criteria provided. Collection method: clinical testing. Allele origin: germline. Not counted in ClinVar's aggregate classification.
Comment: This variant is classified as benign based on ACMG/AMP sequence variant interpretation guidelines (Richards et al. 2015 PMID: 25741868, with internal and published modifications).